The following is an entry in ClinVar:

NM_001267550.2(TTN):c.44958dup (p.Tyr14987fs)

Genes: TTN (titin; minus strand), LOC126806427 (BRD4-independent group 4 enhancer GRCh37_chr2:179485777-179486976; plus strand). Cytogenetic location: 2q31.2.
Variant type: Duplication.
Coding change: c.44958dup on transcript NM_001267550.2 (MANE Select); coding-DNA position 44958, one base duplicated (A; older notation c.44958dupA).
Protein change: p.Tyr14987fs; shifts the reading frame from tyrosine 14987.
Molecular consequence: frameshift variant.
Genome position (GRCh38, 1-based): chr2:178,621,964, T duplicated on the plus strand (A on the coding strand, the reverse complement: TTN is on the minus strand); the first of 6 consecutive T bases (chr2:178,621,964-178,621,969); duplicating any one gives the same sequence. VCF-style (leftmost placement, unchanged base first): chr2-178621963-A-AT. GRCh37 (hg19) VCF-style: chr2-179486690-A-AT.
Other names: c.44958dup (NM_001267550.1); c.40035dup, p.Tyr13346fs (NM_001256850.1); c.17763dup, p.Tyr5922fs (NM_003319.4); c.37254dup, p.Tyr12419fs (NM_133378.4); c.18138dup, p.Tyr6047fs (NM_133432.3); c.18339dup, p.Tyr6114fs (NM_133437.4); short protein forms Y5922fs, Y6047fs, Y6114fs, Y12419fs, Y13346fs, Y14987fs.
Identifiers: ClinVar variation 5016775 (VCV005016775.1).

ClinVar aggregate classification (germline): Likely pathogenic (1 of 4 stars; one submission).

Submission:

GeneDx
Classification: Likely pathogenic. Last evaluated: 2026-03-26. Review status: criteria provided, single submitter. Criteria: GeneDx Variant Classification Process June 2021. Collection method: clinical testing. Allele origin: germline.
Comment: Frameshift variant predicted to result in protein truncation or nonsense mediated decay in a gene for which loss of function is a known mechanism of disease; Not observed at significant frequency in large population cohorts (gnomAD); Has not been previously published as pathogenic or benign to our knowledge; Located in a specific region of the I-band within TTN for which truncating variants are significantly associated with autosomal dominant cardiomyopathy and also with autosomal recessive skeletal myopathies (PMID: 27625338, 27869827, 32778822); This variant is associated with the following publications: (PMID: 27625338, 27869827, 32778822)